The following is an entry in ClinVar:

NM_032043.3(BRIP1):c.529G>A (p.Gly177Arg)

Gene: BRIP1 (BRCA1 interacting DNA helicase 1; minus strand). Cytogenetic location: 17q23.2.
Variant type: single nucleotide variant.
Coding change: c.529G>A on transcript NM_032043.3 (MANE Select); coding-DNA position 529, G replaced by A.
Protein change: p.Gly177Arg; replaces glycine 177 with arginine.
Molecular consequence: missense variant.
Genome position (GRCh38, 1-based): chr17:61,847,199, C>T on the plus strand (G>A on the coding strand, the complement: BRIP1 is on the minus strand). VCF-style: chr17-61847199-C-T. GRCh37 (hg19) VCF-style: chr17-59924560-C-T.
Other names: short protein forms G177R.
Identifiers: ClinVar variation 2564583 (VCV002564583.2), dbSNP rs2078748501, ClinGen allele CA400483303.

ClinVar aggregate classification (germline): Uncertain significance (1 of 4 stars; one submission).

Conditions:
Hereditary cancer-predisposing syndrome. Also called: Neoplastic Syndromes, Hereditary; Hereditary Cancer Syndrome; Hereditary neoplastic syndrome; Tumor predisposition. Identifiers: Orphanet 140162, MedGen C0027672, MeSH D009386, MONDO:0015356.

Submission:

Ambry Genetics
Classification: Uncertain significance for Hereditary cancer-predisposing syndrome. Last evaluated: 2023-03-31. Review status: criteria provided, single submitter. Criteria: Ambry Variant Classification Scheme 2023. Collection method: clinical testing. Allele origin: germline.
Comment: The p.G177R variant (also known as c.529G>A), located in coding exon 5 of the BRIP1 gene, results from a G to A substitution at nucleotide position 529. The glycine at codon 177 is replaced by arginine, an amino acid with dissimilar properties. This amino acid position is conserved. In addition, this alteration is predicted to be tolerated by in silico analysis. Since supporting evidence is limited at this time, the clinical significance of this alteration remains unclear.